The following is an entry in ClinVar:

ClinVar aggregate classification (germline): Uncertain significance (1 of 4 stars; one submission).

Allele frequency attached by ClinVar (database versions not stated): gnomAD exomes 0.00001; gnomAD 0.00003.

Submission:

Labcorp Genetics (formerly Invitae), Labcorp
Classification: Uncertain significance. Last evaluated: 2022-02-08. Review status: criteria provided, single submitter. Criteria: Invitae Variant Classification Sherloc (09022015). Collection method: clinical testing. Allele origin: germline.
Comment: In summary, the available evidence is currently insufficient to determine the role of this variant in disease. Therefore, it has been classified as a Variant of Uncertain Significance. Algorithms developed to predict the effect of missense changes on protein structure and function are either unavailable or do not agree on the potential impact of this missense change (SIFT: "Deleterious"; PolyPhen-2: "Probably Damaging"; Align-GVGD: "Class C0"). This variant has not been reported in the literature in individuals affected with FNIP1-related conditions. This variant is present in population databases (no rsID available, gnomAD 0.05%). This sequence change replaces leucine, which is neutral and non-polar, with proline, which is neutral and non-polar, at codon 90 of the FNIP1 protein (p.Leu90Pro).

NM_133372.3(FNIP1):c.269T>C (p.Leu90Pro)

Gene: FNIP1 (folliculin interacting protein 1; minus strand). Cytogenetic location: 5q31.1.
Variant type: single nucleotide variant.
Coding change: c.269T>C on transcript NM_133372.3 (MANE Select); coding-DNA position 269, T replaced by C.
Protein change: p.Leu90Pro; replaces leucine 90 with proline.
Molecular consequence: missense variant. On other transcripts: intron variant (1).
Genome position (GRCh38, 1-based): chr5:131,730,989, A>G on the plus strand (T>C on the coding strand, the complement: FNIP1 is on the minus strand). VCF-style: chr5-131730989-A-G. GRCh37 (hg19) VCF-style: chr5-131066682-A-G.
Other names: c.269T>C, p.Leu90Pro (NM_001008738.3, NM_001346113.2); c.220-11572T>C (NM_001346114.2); short protein forms L90P.
Identifiers: ClinVar variation 2094986 (VCV002094986.2), dbSNP rs1451368606, ClinGen allele CA360841078.